The following is an entry in ClinVar:

NM_000069.3(CACNA1S):c.3196G>C (p.Val1066Leu)

Gene: CACNA1S (calcium voltage-gated channel subunit alpha1 S; minus strand). Cytogenetic location: 1q32.1.
Variant type: single nucleotide variant.
Coding change: c.3196G>C on transcript NM_000069.3 (MANE Select); coding-DNA position 3196, G replaced by C.
Protein change: p.Val1066Leu; replaces valine 1066 with leucine.
Molecular consequence: missense variant.
Genome position (GRCh38, 1-based): chr1:201,061,326, C>G on the plus strand (G>C on the coding strand, the complement: CACNA1S is on the minus strand). VCF-style: chr1-201061326-C-G. GRCh37 (hg19) VCF-style: chr1-201030454-C-G.
Other names: c.3196G>C (NM_000069.2); short protein forms V1066L.
Identifiers: ClinVar variation 3072510 (VCV003072510.3), dbSNP rs1464848168, ClinGen allele CA344161974.

ClinVar aggregate classification (germline): Uncertain significance. Review status: criteria provided, multiple submitters, no conflicts (2 of 4 stars). 3 submissions from 3 submitters: Uncertain significance (3). Last evaluated 2025-11-13.

Conditions:
Malignant hyperthermia, susceptibility to, 5 (MHS5). Also called: CACNA1S-Related Malignant Hyperthermia Susceptibility. Identifiers: Orphanet 423, MedGen C1866077, MONDO:0011163, OMIM 601887.
Hypokalemic periodic paralysis, type 1. Also called: HypoPP; Hypokalemic Periodic Paralysis Type 1 (AD). Identifiers: Orphanet 681, MedGen C3714580, MONDO:0042979, OMIM 170400.

Allele frequency attached by ClinVar (database versions not stated): TOPMed below 0.00001; gnomAD 0.00001.
gnomAD v4.1: 2 of 1,614,070 alleles (0.00012%); highest among the groups gnomAD compares: African/African-American, 0.0027%; no homozygotes.

Submissions (3):

Labcorp Genetics (formerly Invitae), Labcorp
Classification: Uncertain significance for Hypokalemic periodic paralysis, type 1; Malignant hyperthermia, susceptibility to, 5. Last evaluated: 2025-11-13. Review status: criteria provided, single submitter. Criteria: Invitae Variant Classification Sherloc (09022015). Collection method: clinical testing. Allele origin: germline.
Comment: This sequence change replaces valine, which is neutral and non-polar, with leucine, which is neutral and non-polar, at codon 1066 of the CACNA1S protein (p.Val1066Leu). This variant is present in population databases (no rsID available, gnomAD 0.02%). This variant has not been reported in the literature in individuals affected with CACNA1S-related conditions. ClinVar contains an entry for this variant (Variation ID: 3072510). Invitae Evidence Modeling of protein sequence and biophysical properties (such as structural, functional, and spatial information, amino acid conservation, physicochemical variation, residue mobility, and thermodynamic stability) has been performed for this missense variant. However, the output from this modeling did not meet the statistical confidence thresholds required to predict the impact of this variant on CACNA1S protein function. In summary, the available evidence is currently insufficient to determine the role of this variant in disease. Therefore, it has been classified as a Variant of Uncertain Significance.

GeneDx
Classification: Uncertain significance. Last evaluated: 2025-02-21. Review status: criteria provided, single submitter. Criteria: GeneDx Variant Classification Process June 2021. Collection method: clinical testing. Allele origin: germline. Affected: yes.
Comment: In silico analysis supports that this missense variant has a deleterious effect on protein structure/function; Has not been previously published as pathogenic or benign to our knowledge; This variant is associated with the following publications: (PMID: 35346344)

All of Us Research Program, National Institutes of Health
Classification: Uncertain significance for Malignant hyperthermia, susceptibility to, 5. Last evaluated: 2023-08-15. Review status: criteria provided, single submitter. Criteria: ACMG Guidelines, 2015. Collection method: clinical testing. Allele origin: germline. Inheritance: Autosomal dominant inheritance. Observed: 1 variant allele, 1 heterozygote.
Comment: This study involves interpretation of variants in research participants for the purpose of population health screening. Participant phenotype was not available at the time of variant classification. Additional details can be found in publication PMID: 35346344, PMCID: PMC8962531